The following is an entry in ClinVar:

ClinVar aggregate classification (germline): Pathogenic (1 of 4 stars; one submission).

Conditions:
Familial cancer of breast. Also called: hereditary breast carcinoma; BREAST CANCER, FAMILIAL; Hereditary breast cancer. Identifiers: Orphanet 227535, MedGen C0346153, MONDO:0016419, OMIM 114480. Disease mechanism: loss of function.

Submission:

Labcorp Genetics (formerly Invitae), Labcorp
Classification: Pathogenic for Familial cancer of breast. Last evaluated: 2022-10-31. Review status: criteria provided, single submitter. Criteria: Invitae Variant Classification Sherloc (09022015). Collection method: clinical testing. Allele origin: germline.
Comment: This variant has not been reported in the literature in individuals affected with PALB2-related conditions. This sequence change creates a premature translational stop signal (p.Thr1100Aspfs*24) in the PALB2 gene. While this is not anticipated to result in nonsense mediated decay, it is expected to disrupt the last 87 amino acid(s) of the PALB2 protein. This variant is not present in population databases (gnomAD no frequency). Algorithms developed to predict the effect of sequence changes on RNA splicing suggest that this variant may disrupt the consensus splice site. This variant disrupts a region of the PALB2 protein in which other variant(s) (p.Tyr1183*) have been determined to be pathogenic (PMID: 7200671, 20927582, 21165770, 21365267, 26283626). This suggests that this is a clinically significant region of the protein, and that variants that disrupt it are likely to be disease-causing. For these reasons, this variant has been classified as Pathogenic.

Literature cited by the submitters: PubMed 7200671; PubMed 20927582; PubMed 21165770; PubMed 21365267; PubMed 26283626.

NM_024675.4(PALB2):c.3293_3296dup (p.Thr1100fs)

Gene: PALB2 (partner and localizer of BRCA2; minus strand). Cytogenetic location: 16p12.2.
Variant type: Duplication.
Coding change: c.3293_3296dup on transcript NM_024675.4 (MANE Select); coding-DNA positions 3293 to 3296, 4 bases duplicated (AGAC; older notation c.3293_3296dupAGAC).
Protein change: p.Thr1100fs; shifts the reading frame from threonine 1100.
Molecular consequence: frameshift variant.
Genome position (GRCh38, 1-based): chr16:23,607,918-23,607,921, GTCT duplicated on the plus strand (AGAC on the coding strand, the reverse complement: PALB2 is on the minus strand). VCF-style (leftmost placement, unchanged base first): chr16-23607917-C-CGTCT. GRCh37 (hg19) VCF-style: chr16-23619238-C-CGTCT.
Other names: c.3233_3236dup, p.Thr1080Aspfs (NM_001407296.1); c.3221_3224dup, p.Thr1076Aspfs (NM_001407297.1); c.3131_3134dup, p.Thr1046Aspfs (NM_001407298.1); c.3014_3017dup, p.Thr1007Aspfs (NM_001407300.1); c.2408_2411dup, p.Thr805Aspfs (NM_001407304.1, NM_001407305.1, NM_001407306.1); c.2246_2249dup, p.Thr751Aspfs (NM_001407307.1); c.1505_1508dup, p.Thr504Aspfs (NM_001407312.1); c.827_830dup, p.Thr278Aspfs (NM_001407314.1); short protein forms T1100fs.
Identifiers: ClinVar variation 2029852 (VCV002029852.4), dbSNP rs2506215585, ClinGen allele CA2580091270.